The following is an entry in ClinVar:

ClinVar aggregate classification (germline): Uncertain significance (1 of 4 stars; one submission).

Conditions:
Neurodevelopmental disorder with or without anomalies of the brain, eye, or heart (NEDBEH). Identifiers: Orphanet 494344, MedGen C5567477, MONDO:0014857, OMIM 616975.

gnomAD v4.1: 4 of 1,613,570 alleles (0.00025%); highest among the groups gnomAD compares: Non-Finnish European, 0.00034%; no homozygotes.

Submission:

Pittsburgh Clinical Genomics Laboratory, University of Pittsburgh Medical Center
Classification: Uncertain significance for Neurodevelopmental disorder with or without anomalies of the brain, eye, or heart. Last evaluated: 2022-05-25. Review status: criteria provided, single submitter. Criteria: ACMG Guidelines, 2015. Collection method: clinical testing. Allele origin: germline. Inheritance: Autosomal dominant inheritance. Affected: yes.
Comment: This sequence variant is a single nucleotide substitution (C>G) at position 215 of the coding sequence of the RERE gene that results in a threonine to arginine amino acid change at residue 72 of the RERE protein. This variant is absent from online datasets of clinically annotated variants (ClinVar) and has not been observed in an individual with a RERE-related disorder in the published literature, to our knowledge. This variant is present in control population datasets (gnomAD database, 1 of 251,466 alleles, 0.0004%). Multiple bioinformatic tools provide conflicting predictions concerning the impact of this variant on the structure and/or function of RERE, and the Thr72 residue is moderately conserved across the vertebrate species examined. Studies examining the functiol consequence of this variant have not been published, to our knowledge. At this time, there is insufficient evidence to determine if this variant is pathogenic or benign. Therefore, we consider this a variant of uncertain significance. ACMG Criteria: BP1, PM2

NM_001042681.2(RERE):c.215C>G (p.Thr72Arg)

Gene: RERE (arginine-glutamic acid dipeptide repeats; minus strand). Cytogenetic location: 1p36.23.
Variant type: single nucleotide variant.
Coding change: c.215C>G on transcript NM_001042681.2 (MANE Select); coding-DNA position 215, C replaced by G.
Protein change: p.Thr72Arg; replaces threonine 72 with arginine.
Molecular consequence: missense variant.
Genome position (GRCh38, 1-based): chr1:8,656,083, G>C on the plus strand (C>G on the coding strand, the complement: RERE is on the minus strand). VCF-style: chr1-8656083-G-C. GRCh37 (hg19) VCF-style: chr1-8716142-G-C.
Other names: c.215C>G, p.Thr72Arg (NM_012102.4); short protein forms T72R.
Identifiers: ClinVar variation 3376226 (VCV003376226.1).